The following is an entry in ClinVar:

NM_001379659.1(ZNF142):c.4540C>T (p.Gln1514Ter)

Gene: ZNF142 (zinc finger protein 142; minus strand). Cytogenetic location: 2q35.
Variant type: single nucleotide variant.
Coding change: c.4540C>T on transcript NM_001379659.1 (MANE Select); coding-DNA position 4540, C replaced by T.
Protein change: p.Gln1514Ter; replaces glutamine 1514 with a stop codon.
Molecular consequence: nonsense.
Genome position (GRCh38, 1-based): chr2:218,642,576, G>A on the plus strand (C>T on the coding strand, the complement: ZNF142 is on the minus strand). VCF-style: chr2-218642576-G-A. GRCh37 (hg19) VCF-style: chr2-219507299-G-A.
Other names: c.3940C>T, p.Gln1314Ter (NM_001105537.5, NM_001366291.3, NM_001379662.1); c.3451C>T, p.Gln1151Ter (NM_001366287.3, NM_001366288.3, NM_001366289.3); c.4540C>T, p.Gln1514Ter (NM_001366290.3, NM_001379660.1, NM_001379661.1); short protein forms Q1314*, Q1151*, Q1514*.
Identifiers: ClinVar variation 5006210 (VCV005006210.2).

ClinVar aggregate classification (germline): Likely pathogenic (1 of 4 stars; one submission).

Conditions:
Neurodevelopmental disorder with impaired speech and hyperkinetic movements. Identifiers: MedGen C5193088, MONDO:0032741, OMIM 618425.

Submission:

Juno Genomics, Hangzhou Juno Genomics, Inc
Classification: Likely pathogenic for Neurodevelopmental disorder with impaired speech and hyperkinetic movements. Review status: criteria provided, single submitter. Criteria: ACMG Guidelines, 2015. Collection method: clinical testing. Allele origin: germline.
Comment: Null variant in a gene where loss of function (LOF) is a known mechanism of disease.;Absent from controls (or at extremely low frequency if recessive) in Genome Aggregation Database.